The following is an entry in ClinVar:

ClinVar aggregate classification (germline): Pathogenic. Review status: criteria provided, multiple submitters, no conflicts (2 of 4 stars). 2 submissions from 2 submitters: Pathogenic (2). Last evaluated 2024-05-19.

Conditions:
Telangiectasia, hereditary hemorrhagic, type 2 (HHT2). Also called: ACVRL1-Related Hereditary Hemorrhagic Telangiectasia; Telangiectasia, hereditary hemorrhagic, type II. Identifiers: Orphanet 774, MedGen C1838163, MONDO:0010880, OMIM 600376. Disease mechanism: loss of function.
Cardiovascular phenotype. Identifiers: MedGen CN230736.

Submissions (2):

Labcorp Genetics (formerly Invitae), Labcorp
Classification: Pathogenic for Telangiectasia, hereditary hemorrhagic, type 2. Last evaluated: 2024-05-19. Review status: criteria provided, single submitter. Criteria: Invitae Variant Classification Sherloc (09022015). Collection method: clinical testing. Allele origin: germline.
Comment: This sequence change replaces cysteine, which is neutral and slightly polar, with tyrosine, which is neutral and polar, at codon 34 of the ACVRL1 protein (p.Cys34Tyr). This variant is not present in population databases (gnomAD no frequency). This missense change has been observed in individual(s) with hereditary hemorrhagic telangiectasia (PMID: 16752392; Invitae). ClinVar contains an entry for this variant (Variation ID: 1756072). Advanced modeling of protein sequence and biophysical properties (such as structural, functional, and spatial information, amino acid conservation, physicochemical variation, residue mobility, and thermodynamic stability) performed at Invitae indicates that this missense variant is expected to disrupt ACVRL1 protein function with a positive predictive value of 95%. This variant affects a cysteine residue located within the ACVRL1 protein ectodomain. Cysteine residues in this domain of ACVRL1 are involved in the formation of disulfide bridges critical for protein structure and stability (PMID: 22028876, 22718755, 22799562). In addition, missense substitutions within the ACVRL1 ectodomain affecting cysteine residues are overrepresented in patients with HHT (PMID: 20501893, 26176610 and an online resource). This variant disrupts the p.Cys34 amino acid residue in ACVRL1. Other variant(s) that disrupt this residue have been determined to be pathogenic (Invitae). This suggests that this residue is clinically significant, and that variants that disrupt this residue are likely to be disease-causing. For these reasons, this variant has been classified as Pathogenic.

Ambry Genetics
Classification: Pathogenic for Cardiovascular phenotype. Last evaluated: 2023-12-20. Review status: criteria provided, single submitter. Criteria: Ambry Variant Classification Scheme 2023. Collection method: clinical testing. Allele origin: germline.
Comment: The p.C34Y pathogenic mutation (also known as c.101G>A), located in coding exon 2 of the ACVRL1 gene, results from a G to A substitution at nucleotide position 101. The cysteine at codon 34 is replaced by tyrosine, an amino acid with highly dissimilar properties. This mutation has been reported in an individual with epistaxis, telangiectasia, arteriovenous malformation (AVM), and family history of hereditary hemorrhagic telangiectasia; it was also detected in a second affected family member (Bossler AD et al. Hum Mutat. 2006;27(7):667-75). In addition, the C34 residue is the site of a disulfide bridge with C51, which when altered by introducing tyrosine at this position, removes the disulfide bridge and drastically alters the stability of the protein (Scotti C et al. PLoS One. 2011;6(10):e26431). This variant is considered to be rare based on population cohorts in the Genome Aggregation Database (gnomAD). This amino acid position is highly conserved in available vertebrate species. In addition, this alteration is predicted to be deleterious by in silico analysis. Based on the majority of available evidence to date, this variant is likely to be pathogenic.

Literature cited by the submitters: PubMed 16752392 (cited by Labcorp Genetics (formerly Invitae), Labcorp); PubMed 22028876 (cited by Labcorp Genetics (formerly Invitae), Labcorp); PubMed 22718755 (cited by Labcorp Genetics (formerly Invitae), Labcorp); PubMed 22799562 (cited by Labcorp Genetics (formerly Invitae), Labcorp); PubMed 20501893 (cited by Labcorp Genetics (formerly Invitae), Labcorp); PubMed 26176610 (cited by Labcorp Genetics (formerly Invitae), Labcorp); PubMed 21536610 (cited by Ambry Genetics).

NM_000020.3(ACVRL1):c.101G>A (p.Cys34Tyr)

Gene: ACVRL1 (activin A receptor like type 1; plus strand). Cytogenetic location: 12q13.13.
Variant type: single nucleotide variant.
Coding change: c.101G>A on transcript NM_000020.3 (MANE Select); coding-DNA position 101, G replaced by A.
Protein change: p.Cys34Tyr; replaces cysteine 34 with tyrosine.
Molecular consequence: missense variant.
Genome position (GRCh38, 1-based): chr12:51,913,138, G>A. VCF-style: chr12-51913138-G-A. GRCh37 (hg19) VCF-style: chr12-52306922-G-A.
Other names: c.101G>A, p.Cys34Tyr (NM_001077401.2, NM_001406487.1, NM_001406488.1 and 6 more transcripts); short protein forms C34Y.
Identifiers: ClinVar variation 1756072 (VCV001756072.7), dbSNP rs2540158265, ClinGen allele CA384897509.